The following is an entry in ClinVar:

ClinVar aggregate classification (germline): Uncertain significance (1 of 4 stars; one submission).

Conditions:
Familial adenomatous polyposis 1 (FAP1). Also called: FAMILIAL ADENOMATOUS POLYPOSIS 1, ATTENUATED; POLYPOSIS, ADENOMATOUS INTESTINAL. Identifiers: MedGen C2713442, MONDO:0021056, OMIM 175100. Disease mechanism: loss of function.

Submission:

Labcorp Genetics (formerly Invitae), Labcorp
Classification: Uncertain significance for Familial adenomatous polyposis 1. Last evaluated: 2022-01-26. Review status: criteria provided, single submitter. Criteria: Invitae Variant Classification Sherloc (09022015). Collection method: clinical testing. Allele origin: germline.
Comment: This variant occurs in a non-coding region of the APC gene. It does not change the encoded amino acid sequence of the APC protein. In summary, the available evidence is currently insufficient to determine the role of this variant in disease. Therefore, it has been classified as a Variant of Uncertain Significance. Algorithms developed to predict the effect of sequence changes on RNA splicing suggest that this variant may create or strengthen a splice site. This variant has not been reported in the literature in individuals affected with APC-related conditions. This variant is not present in population databases (gnomAD no frequency).

NM_001127511.3(APC):c.-105G>T

Gene: APC (APC regulator of Wnt signaling pathway; plus strand). Cytogenetic location: 5q22.2.
Variant type: single nucleotide variant.
Coding change: c.-105G>T on transcript NM_001127511.3; 105 bases upstream of the start codon, G replaced by T.
Molecular consequence: 5 prime UTR variant. On other transcripts: non-coding transcript variant (2).
Genome position (GRCh38, 1-based): chr5:112,707,613, G>T. VCF-style: chr5-112707613-G-T. GRCh37 (hg19) VCF-style: chr5-112043310-G-T.
Other names: c.-288G>T (NM_001354895.2, NM_001407447.1, NM_001407452.1 and 3 more transcripts); c.-105G>T (NM_001354897.2, NM_001354902.2, NM_001407446.1); c.-55G>T (NM_001407448.1, NM_001407450.1, NM_001407457.1 and 1 more transcripts); c.-79G>T (NM_001407453.1); c.-1323G>T (NM_001407470.1, NM_001407472.1).
Identifiers: ClinVar variation 2144385 (VCV002144385.3), dbSNP rs1337548978, ClinGen allele CA2580072303.